The following is an entry in ClinVar:

NM_017780.4(CHD7):c.2212G>C (p.Glu738Gln)

Gene: CHD7 (chromodomain helicase DNA binding protein 7; plus strand). Cytogenetic location: 8q12.2.
Variant type: single nucleotide variant.
Coding change: c.2212G>C on transcript NM_017780.4 (MANE Select); coding-DNA position 2212, G replaced by C.
Protein change: p.Glu738Gln; replaces glutamic acid 738 with glutamine.
Molecular consequence: missense variant. On other transcripts: intron variant (1).
Genome position (GRCh38, 1-based): chr8:60,795,101, G>C. VCF-style: chr8-60795101-G-C. GRCh37 (hg19) VCF-style: chr8-61707660-G-C.
Other names: c.1716+14051G>C (NM_001316690.1); short protein forms E738Q.
Identifiers: ClinVar variation 1695688 (VCV001695688.2), dbSNP rs375850262, ClinGen allele CA371296584.

ClinVar aggregate classification (germline): Uncertain significance (1 of 4 stars; one submission).

gnomAD v4.1: 1 of 1,613,668 alleles (0.000062%); highest among the groups gnomAD compares: South Asian, 0.0011%; no homozygotes.

Submission:

GeneDx
Classification: Uncertain significance. Last evaluated: 2022-01-11. Review status: criteria provided, single submitter. Criteria: GeneDx Variant Classification Process June 2021. Collection method: clinical testing. Allele origin: germline. Affected: yes.
Comment: Not observed at significant frequency in large population cohorts (gnomAD); In silico analysis supports that this missense variant does not alter protein structure/function; Has not been previously published as pathogenic or benign to our knowledge